The following is an entry in ClinVar:

NM_006019.4(TCIRG1):c.169C>T (p.Arg57Cys)

Gene: TCIRG1 (T cell immune regulator 1, ATPase H+ transporting V0 subunit a3; plus strand). Cytogenetic location: 11q13.2.
Variant type: single nucleotide variant.
Coding change: c.169C>T on transcript NM_006019.4 (MANE Select); coding-DNA position 169, C replaced by T.
Protein change: p.Arg57Cys; replaces arginine 57 with cysteine.
Molecular consequence: missense variant. On other transcripts: 5 prime UTR variant (1).
Genome position (GRCh38, 1-based): chr11:68,041,804, C>T. VCF-style: chr11-68041804-C-T. GRCh37 (hg19) VCF-style: chr11-67809271-C-T.
Other names: c.-1081C>T (NM_001351059.2); short protein forms R57C.
Identifiers: ClinVar variation 2161089 (VCV002161089.1), dbSNP rs763667012, ClinGen allele CA6146677.

ClinVar aggregate classification (germline): Uncertain significance (1 of 4 stars; one submission).

Allele frequency attached by ClinVar (database versions not stated): TOPMed below 0.00001; ExAC 0.00004.
gnomAD v4.1: 9 of 1,609,820 alleles (0.00056%); highest among the groups gnomAD compares: South Asian, 0.0033%; no homozygotes.

Submission:

Labcorp Genetics (formerly Invitae), Labcorp
Classification: Uncertain significance. Last evaluated: 2021-12-21. Review status: criteria provided, single submitter. Criteria: Invitae Variant Classification Sherloc (09022015). Collection method: clinical testing. Allele origin: germline.
Comment: This sequence change replaces arginine, which is basic and polar, with cysteine, which is neutral and slightly polar, at codon 57 of the TCIRG1 protein (p.Arg57Cys). The frequency data for this variant in the population databases is considered unreliable, as metrics indicate poor data quality at this position in the gnomAD database. This variant has not been reported in the literature in individuals affected with TCIRG1-related conditions. Algorithms developed to predict the effect of missense changes on protein structure and function are either unavailable or do not agree on the potential impact of this missense change (SIFT: "Deleterious"; PolyPhen-2: "Probably Damaging"; Align-GVGD: "Class C0"). In summary, the available evidence is currently insufficient to determine the role of this variant in disease. Therefore, it has been classified as a Variant of Uncertain Significance.